The following is an entry in ClinVar:

NM_001244710.2(GFPT1):c.1178G>C (p.Gly393Ala)

Gene: GFPT1 (glutamine--fructose-6-phosphate transaminase 1; minus strand). Cytogenetic location: 2p13.3.
Variant type: single nucleotide variant.
Coding change: c.1178G>C on transcript NM_001244710.2 (MANE Select); coding-DNA position 1178, G replaced by C.
Protein change: p.Gly393Ala; replaces glycine 393 with alanine.
Molecular consequence: missense variant.
Genome position (GRCh38, 1-based): chr2:69,342,177, C>G on the plus strand (G>C on the coding strand, the complement: GFPT1 is on the minus strand). VCF-style: chr2-69342177-C-G. GRCh37 (hg19) VCF-style: chr2-69569309-C-G.
Other names: c.1124G>C, p.Gly375Ala (NM_002056.4); short protein forms G393A, G375A.
Identifiers: ClinVar variation 473124 (VCV000473124.10), dbSNP rs1553388425, ClinGen allele CA347125309.

ClinVar aggregate classification (germline): Uncertain significance (1 of 4 stars; one submission).

Conditions:
Congenital myasthenic syndrome 12 (CMS12). Also called: MYASTHENIC SYNDROME, CONGENITAL, WITH TUBULAR AGGREGATES 1; Myasthenia, congenital, 12, with tubular aggregates. Identifiers: Orphanet 353327, Orphanet 590, MedGen C3552335, MONDO:0012518, OMIM 610542.

Submission:

Labcorp Genetics (formerly Invitae), Labcorp
Classification: Uncertain significance for Congenital myasthenic syndrome 12. Last evaluated: 2025-07-02. Review status: criteria provided, single submitter. Criteria: Invitae Variant Classification Sherloc (09022015). Collection method: clinical testing. Allele origin: germline.
Comment: This sequence change replaces glycine, which is neutral and non-polar, with alanine, which is neutral and non-polar, at codon 393 of the GFPT1 protein (p.Gly393Ala). This variant is not present in population databases (gnomAD no frequency). This variant has not been reported in the literature in individuals affected with GFPT1-related conditions. ClinVar contains an entry for this variant (Variation ID: 473124). Invitae Evidence Modeling of protein sequence and biophysical properties (such as structural, functional, and spatial information, amino acid conservation, physicochemical variation, residue mobility, and thermodynamic stability) indicates that this missense variant is expected to disrupt GFPT1 protein function with a positive predictive value of 80%. In summary, the available evidence is currently insufficient to determine the role of this variant in disease. Therefore, it has been classified as a Variant of Uncertain Significance.